The following is an entry in ClinVar:

ClinVar aggregate classification (germline): Likely pathogenic. Review status: reviewed by expert panel (3 of 4 stars). 3 submissions from 2 submitters: Likely pathogenic (1). 2 of the submissions do not count toward it. Last evaluated 2024-02-26.

Conditions:
Mitochondrial disease. Also called: Mitochondrial disorder; Mitochondrial disorders. Identifiers: Orphanet 68380, MedGen C0751651, MeSH D028361, MONDO:0044970.
Mitochondrial complex IV deficiency with recurrent myoglobinuria. Identifiers: MedGen C4017626.
Mitochondrial complex IV deficiency, nuclear type 1 (MC4DN1). Also called: COX DEFICIENCY; Mitochondrial complex IV deficiency; Complex 4 mitochondrial respiratory chain deficiency; Deficiency of mitochondrial respiratory chain complex4; Complex IV deficiency. Identifiers: MedGen C5435656, MONDO:0700250, OMIM 220110. Disease mechanism: loss of function.

Submissions (3):

ClinGen Mitochondrial Disease Nuclear and Mitochondrial  Variant Curation Expert Panel, ClinGen
Classification: Likely pathogenic for Mitochondrial disease. Last evaluated: 2024-02-26. Review status: reviewed by expert panel. Criteria: McCormick et al. (Hum Mutat. 2020). Collection method: curation. Allele origin: germline. Inheritance: Mitochondrial inheritance.
Comment: The m.9487_9501del (p.Phe94Ter) variant in MT-CO3 has been reported in one individual to date, in a teenager with myopathy and recurrent myoglobinuria (PMID: 8630495). Electron microscopy showed scattered areas of increased numbers of mitochondria, some of which were enlarged and irregular with disordered cristae. Complex IV activity was 14% of controls. Heteroplasmy levels were reported as 92% in muscle, 0.7% leukocytes, 0.5% in lymphocytes, and undetectable in fibroblasts. As this is the only case reported to date, PS4 could not be applied. However, this expert panel noted the very low heteroplasmy levels reported in the proband’s leukocytes was unusual given the technology at the time, therefore this was not considered a de novo occurrence. Given no additional family members were tested, segregation evidence (PP1) could not be applied. There are no additional reported de novo occurrences of this variant to our knowledge. Computational predictors are not applicable for this variant type precluding consideration for PP3 or BP4. This variant is absent in the GenBank dataset, Helix dataset, and gnomAD v3.1.2 (PM2_supporting). This 15 base pair microdeletion results in loss of the last 167 amino acids (64% of the protein, PVS1_strong). Single fiber testing showed higher levels of the variant in COX-negative non-RRF fibers (97.4 ± 1.4%) and in COX-negative RRF (98.6 ± 0.8%) than in COX-positive fibers (25.2 ± 25.1%; PS3_supporting; PMID: 8630495). In summary, this variant meets criteria to be classified as likely pathogenic for primary mitochondrial disease inherited in a mitochondrial manner. This classification was approved by the NICHD/NINDS U24 ClinGen Mitochondrial Disease Variant Curation Expert Panel on February 26, 2024. Mitochondrial DNA-specific ACMG/AMP criteria applied (PMID: 32906214): PM2_supporting, PS3_supporting, PVS1_strong.

OMIM
Classification: Pathogenic for MITOCHONDRIAL COMPLEX IV DEFICIENCY. Last evaluated: 1996-04-01. Review status: no assertion criteria provided. Collection method: literature only. Allele origin: germline. Not counted in ClinVar's aggregate classification.

OMIM
Classification: Pathogenic for MITOCHONDRIAL COMPLEX IV DEFICIENCY WITH RECURRENT MYOGLOBINURIA. Last evaluated: 1996-04-01. Review status: no assertion criteria provided. Collection method: literature only. Allele origin: germline. Not counted in ClinVar's aggregate classification.

Literature cited by the submitters: PubMed 8630495 (cited by OMIM).

NC_012920.1(MT-CO3):m.9487_9501del

Gene: MT-CO3 (mitochondrially encoded cytochrome c oxidase III; plus strand).
Variant type: Deletion.
Genome position: chrM-9479-TTTTTTCTTCGCAGGA-T.
Identifiers: ClinVar variation 9654 (VCV000009654.2), dbSNP rs267606612, ClinGen allele CA120600.